The following is an entry in ClinVar:

NM_005654.6(NR2F1):c.1047_1053dup (p.Leu352fs)

Gene: NR2F1 (nuclear receptor subfamily 2 group F member 1; plus strand). Cytogenetic location: 5q15.
Variant type: Duplication.
Coding change: c.1047_1053dup on transcript NM_005654.6 (MANE Select); coding-DNA positions 1047 to 1053, 7 bases duplicated (GTGCGCA; older notation c.1047_1053dupGTGCGCA).
Protein change: p.Leu352fs; shifts the reading frame from leucine 352.
Molecular consequence: frameshift variant.
Genome position (GRCh38, 1-based): chr5:93,593,617-93,593,623, GTGCGCA duplicated; duplicating any 7 consecutive bases within chr5:93,593,613-93,593,623 gives the same sequence; the c. name uses the placement nearest the transcript's 3' end. VCF-style (leftmost placement, unchanged base first): chr5-93593612-T-TCGCAGTG. GRCh37 (hg19) VCF-style: chr5-92929318-T-TCGCAGTG.
Other names: c.597_603dup, p.Leu202fs (NM_001410754.1); short protein forms L202fs, L352fs.
Identifiers: ClinVar variation 4854044 (VCV004854044.1).

ClinVar aggregate classification (germline): Likely pathogenic (1 of 4 stars; one submission).

Conditions:
Bosch-Boonstra-Schaaf optic atrophy syndrome (BBSOAS). Also called: NR2F1-Related Neurodevelopmental Disorder. Identifiers: Orphanet 401777, MedGen C3810363, MONDO:0014320, OMIM 615722.

Submission:

3billion
Classification: Likely pathogenic for Bosch-Boonstra-Schaaf optic atrophy syndrome. Last evaluated: 2025-09-19. Review status: criteria provided, single submitter. Criteria: ACMG Guidelines, 2015. Collection method: clinical testing. Allele origin: germline. Affected: yes.
Comment: The variant is not observed in the gnomAD v4.1.0 dataset. Predicted Consequence/Location: Frameshift: predicted to result in a loss or disruption of normal protein function through protein truncation. The predicted truncated protein may be shortened by more than 10%. Therefore, this variant is classified as Likely pathogenic according to the recommendation of ACMG/AMP guideline.